The following is an entry in ClinVar:

ClinVar aggregate classification (germline): Benign. Review status: criteria provided, multiple submitters, no conflicts (2 of 4 stars). 8 submissions from 8 submitters: Benign (7). 1 of the submissions does not count toward it. Last evaluated 2026-02-04.

Conditions:
Hereditary spastic paraplegia 43. Also called: Spastic paraplegia 43, autosomal recessive. Identifiers: Orphanet 320370, MedGen C2680446, MONDO:0014024, OMIM 615043.
Hereditary spastic paraplegia. Also called: Familial spastic paraparesis. Identifiers: Orphanet 685, MedGen C0037773, MONDO:0019064. Disease mechanism: loss of function.
Neurodegeneration with brain iron accumulation 4 (NBIA4). Also called: MITOCHONDRIAL PROTEIN-ASSOCIATED NEURODEGENERATION. Identifiers: Orphanet 289560, MedGen C3280371, MONDO:0013674, OMIM 614298. Disease mechanism: loss of function.

Allele frequency attached by ClinVar (database versions not stated): ESP Exome Variant Server 0.00062; gnomAD 0.00444 and 0.00568; gnomAD exomes 0.00482 and 0.01583; TOPMed 0.01053; ExAC 0.01424; 1000 Genomes Project 30x 0.02374; 1000 Genomes Project 0.02416.
gnomAD v4.1: 7,875 of 1,613,924 alleles (0.49%); highest among the groups gnomAD compares: East Asian, 9.9%; 308 homozygotes.

Submissions (8):

Labcorp Genetics (formerly Invitae), Labcorp
Classification: Benign for Hereditary spastic paraplegia 43. Last evaluated: 2026-02-04. Review status: criteria provided, single submitter. Criteria: Invitae Variant Classification Sherloc (09022015). Collection method: clinical testing. Allele origin: germline.

Mayo Clinic Laboratories, Mayo Clinic
Classification: Benign. Last evaluated: 2022-03-23. Review status: criteria provided, single submitter. Criteria: ACMG Guidelines, 2015. Collection method: clinical testing. Allele origin: germline. Observed: 12 variant alleles.

Genome Diagnostics Laboratory, The Hospital for Sick Children
Classification: Benign for Hereditary spastic paraplegia. Last evaluated: 2020-03-01. Review status: criteria provided, single submitter. Criteria: ACMG Guidelines, 2015. Collection method: clinical testing. Allele origin: germline. Affected: yes.

SIB Swiss Institute of Bioinformatics
Classification: Benign. Last evaluated: 2018-05-31. Review status: criteria provided, single submitter. Criteria: ACMG Guidelines, 2015. Collection method: curation. Allele origin: unknown.
Comment: This variant is interpreted as a Benign - Stand Alone. The following ACMG Tag(s) were applied: BA1 => Allele frequency is >5% in Exome Sequencing Project and 1000 Genomes Project, or Exome Aggregation Consortium.

Illumina Laboratory Services, Illumina
Classification: Benign for Neurodegeneration with brain iron accumulation 4. Last evaluated: 2018-01-13. Review status: criteria provided, single submitter. Criteria: ICSL Variant Classification Criteria 13 December 2019. Collection method: clinical testing. Allele origin: germline.
Comment: This variant was observed in the ICSL laboratory as part of a predisposition screen in an ostensibly healthy population. It had not been previously curated by ICSL or reported in the Human Gene Mutation Database (HGMD: prior to June 1st, 2018), and was therefore a candidate for classification through an automated scoring system. Utilizing variant allele frequency, disease prevalence and penetrance estimates, and inheritance mode, an automated score was calculated to assess if this variant is too frequent to cause the disease. Based on the score and internal cut-off values, a variant classified as benign is not then subjected to further curation. The score for this variant resulted in a classification of benign for this disease.

GeneDx
Classification: Benign. Last evaluated: 2016-02-11. Review status: criteria provided, single submitter. Criteria: GeneDx Variant Classification (06012015). Collection method: clinical testing. Allele origin: germline. Affected: yes.
Comment: This variant is considered likely benign or benign based on one or more of the following criteria: it is a conservative change, it occurs at a poorly conserved position in the protein, it is predicted to be benign by multiple in silico algorithms, and/or has population frequency not consistent with disease.

Breakthrough Genomics
Classification: Benign. Review status: criteria provided, single submitter. Criteria: ACMG Guidelines, 2015. Collection method: not provided. Allele origin: germline. Inheritance: Autosomal recessive inheritance. Affected: yes.

Genetic Services Laboratory, University of Chicago
Classification: Likely benign for AllHighlyPenetrant. Review status: no assertion criteria provided. Collection method: clinical testing. Allele origin: germline. Inheritance: Autosomal recessive inheritance. Not counted in ClinVar's aggregate classification.
Comment: Likely benign based on allele frequency in 1000 Genomes Project or ESP global frequency and its presence in a patient with a rare or unrelated disease phenotype. NOT Sanger confirmed.

NM_031448.6(C19orf12):c.392A>C (p.Lys131Thr)

Gene: C19orf12 (chromosome 19 open reading frame 12; minus strand). Cytogenetic location: 19q12.
Variant type: single nucleotide variant.
Coding change: c.392A>C on transcript NM_031448.6 (MANE Select); coding-DNA position 392, A replaced by C.
Protein change: p.Lys131Thr; replaces lysine 131 with threonine.
Molecular consequence: missense variant. On other transcripts: 3 prime UTR variant (1).
Genome position (GRCh38, 1-based): chr19:29,702,746, T>G on the plus strand (A>C on the coding strand, the complement: C19orf12 is on the minus strand). VCF-style: chr19-29702746-T-G. GRCh37 (hg19) VCF-style: chr19-30193653-T-G.
Other names: NM_001256047.1(C19orf12):c.392A>C(p.Lys131Thr); NM_001282929.1(C19orf12):c.200A>C(p.Lys67Thr); NM_001282930.1(C19orf12):c.200A>C(p.Lys67Thr); NM_001282931.1(C19orf12):c.200A>C(p.Lys67Thr); NM_031448.4(C19orf12):c.392A>C(p.Lys131Thr); NM_001031726.3(C19orf12):c.425A>C(p.Lys142Thr); c.392A>C, p.Lys131Thr (NM_001031726.4, NM_001256047.2); c.*13A>C (NM_001256046.3); and 1 more; short protein forms K131T, K142T, K67T.
Identifiers: ClinVar variation 128538 (VCV000128538.23), dbSNP rs79915936, ClinGen allele CA152062.